The following is an entry in ClinVar:

ClinVar aggregate classification (germline): Pathogenic (1 of 4 stars; one submission).

Conditions:
Catecholaminergic polymorphic ventricular tachycardia 1. Also called: RYR2-Related Catecholaminergic Polymorphic Ventricular Tachycardia; VENTRICULAR TACHYCARDIA, CATECHOLAMINERGIC POLYMORPHIC, 1, WITH OR WITHOUT ATRIAL DYSFUNCTION AND/OR DILATED CARDIOMYOPATHY; VENTRICULAR TACHYCARDIA, STRESS-INDUCED POLYMORPHIC 1. Identifiers: Orphanet 3286, MedGen C1631597, MONDO:0011484, OMIM 604772.

Submission:

Labcorp Genetics (formerly Invitae), Labcorp
Classification: Pathogenic for Catecholaminergic polymorphic ventricular tachycardia 1. Last evaluated: 2023-11-15. Review status: criteria provided, single submitter. Criteria: Invitae Variant Classification Sherloc (09022015). Collection method: clinical testing. Allele origin: unknown.
Comment: This variant is a gross deletion of the genomic region encompassing exon(s) 2 of the CASQ2 gene. This deletion is out-of-frame, and is expected to create a premature termination codon and result in an absent or disrupted protein product. Loss-of-function variants in CASQ2 are known to be pathogenic (PMID: 12386154). This variant has not been reported in the literature in individuals affected with CASQ2-related conditions. For these reasons, this variant has been classified as Pathogenic.

Literature cited by the submitters: PubMed 12386154.

NC_000001.10:g.(?_116287429)_(116287553_?)del

Gene: CASQ2 (calsequestrin 2; minus strand). Cytogenetic location: 1p13.1.
Variant type: Deletion.
Identifiers: ClinVar variation 3247740 (VCV003247740.1).